The following is an entry in ClinVar:

ClinVar aggregate classification (germline): Uncertain significance (1 of 4 stars; one submission).

Conditions:
Epidermolysis bullosa simplex, Ogna type (EBS5A). Also called: Pidermolysis bullosa simplex 5A, Ogna type; EPIDERMOLYSIS BULLOSA SIMPLEX 5A, OGNA TYPE. Identifiers: Orphanet 79401, MedGen C0432317, MONDO:0007555, OMIM 131950.
Autosomal recessive limb-girdle muscular dystrophy type 2Q (LGMDR17). Also called: MUSCULAR DYSTROPHY, LIMB-GIRDLE, AUTOSOMAL RECESSIVE 17. Identifiers: Orphanet 254361, MedGen C3150989, MONDO:0013390, OMIM 613723.
Epidermolysis bullosa simplex 5C, with pyloric atresia (EBS5C). Also called: PLEC-Related Epidermolysis Bullosa with Pyloric Atresia; Epidermolysis bullosa simplex with pyloric atresia; PLEC1-Related Epidermolysis Bullosa with Pyloric Atresia. Identifiers: Orphanet 158684, MedGen C2677349, MONDO:0012807, OMIM 612138.
Epidermolysis bullosa simplex 5B, with muscular dystrophy (EBS5B). Also called: EPIDERMOLYSIS BULLOSA SIMPLEX AND LIMB-GIRDLE MUSCULAR DYSTROPHY; Epidermolysis bullosa simplex with muscular dystrophy. Identifiers: Orphanet 257, MedGen C2931072, MONDO:0009181, OMIM 226670.
Epidermolysis bullosa simplex with nail dystrophy (EBS5D). Identifiers: MedGen C4225309, MONDO:0014661, OMIM 616487.

Allele frequency attached by ClinVar (database versions not stated): gnomAD exomes below 0.00001.

Submission:

Labcorp Genetics (formerly Invitae), Labcorp
Classification: Uncertain significance for Autosomal recessive limb-girdle muscular dystrophy type 2Q; Epidermolysis bullosa simplex, Ogna type; Epidermolysis bullosa simplex with nail dystrophy; Epidermolysis bullosa simplex 5C, with pyloric atresia; Epidermolysis bullosa simplex 5B, with muscular dystrophy. Last evaluated: 2018-05-15. Review status: criteria provided, single submitter. Criteria: Invitae Variant Classification Sherloc (09022015). Collection method: clinical testing. Allele origin: germline.
Comment: In summary, the available evidence is currently insufficient to determine the role of this variant in disease. Therefore, it has been classified as a Variant of Uncertain Significance. Algorithms developed to predict the effect of missense changes on protein structure and function are either unavailable or do not agree on the potential impact of this missense change (SIFT: "Deleterious"; PolyPhen-2: "Probably Damaging"; Align-GVGD: "Class C15"). This variant has not been reported in the literature in individuals with PLEC-related disease. This variant is not present in population databases (ExAC no frequency). This sequence change replaces phenylalanine with leucine at codon 595 of the PLEC protein (p.Phe595Leu). The phenylalanine residue is highly conserved and there is a small physicochemical difference between phenylalanine and leucine.

NM_201384.3(PLEC):c.1704C>G (p.Phe568Leu)

Gene: PLEC (plectin; minus strand). Cytogenetic location: 8q24.3.
Variant type: single nucleotide variant.
Coding change: c.1704C>G on transcript NM_201384.3 (MANE Select); coding-DNA position 1704, C replaced by G.
Protein change: p.Phe568Leu; replaces phenylalanine 568 with leucine.
Molecular consequence: missense variant.
Genome position (GRCh38, 1-based): chr8:143,932,826, G>C on the plus strand (C>G on the coding strand, the complement: PLEC is on the minus strand). VCF-style: chr8-143932826-G-C. GRCh37 (hg19) VCF-style: chr8-145006994-G-C.
Other names: c.1785C>G, p.Phe595Leu (NM_000445.5); c.1662C>G, p.Phe554Leu (NM_201378.4); c.1638C>G, p.Phe546Leu (NM_201379.3); c.2115C>G, p.Phe705Leu (NM_201380.4); c.1608C>G, p.Phe536Leu (NM_201381.3); c.1704C>G, p.Phe568Leu (NM_201382.4); c.1716C>G, p.Phe572Leu (NM_201383.3); short protein forms F568L, F595L, F554L, F536L, F572L, F705L, F546L.
Identifiers: ClinVar variation 568145 (VCV000568145.6), dbSNP rs1564131156, ClinGen allele CA372579278.